The following is an entry in ClinVar:

ClinVar aggregate classification (germline): Uncertain significance (1 of 4 stars; one submission).

Conditions:
CEBALID syndrome (CEBALID). Also called: MN1 C-TERMINAL TRUNCATION SYNDROME; CRANIOFACIAL DEFECTS, DYSMORPHIC EARS, STRUCTURAL BRAIN ABNORMALITIES, EXPRESSIVE LANGUAGE DELAY, AND IMPAIRED INTELLECTUAL DEVELOPMENT. Identifiers: Orphanet 693549, MedGen C5394044, MONDO:0032908, OMIM 618774.

Allele frequency attached by ClinVar (database versions not stated): gnomAD exomes below 0.00001; ExAC 0.00001.
gnomAD v4.1: 3 of 1,599,204 alleles (0.00019%); highest among the groups gnomAD compares: Non-Finnish European, 0.00026%; no homozygotes.

Submission:

New York Genome Center
Classification: Uncertain significance for CEBALID syndrome. Last evaluated: 2021-08-12. Review status: criteria provided, single submitter. Criteria: NYGC Assertion Criteria 2020. Collection method: clinical testing. Allele origin: germline. Observed: 1 heterozygote. Study: CSER-NYCKidSeq.
Comment: The c.2612C>T (p.Ala871Val) variant identified in the MN1 gene substitutes a moderately conserved Alanine for Valine at amino acid 871/1321 (exon1/2). This variant is found with low frequency in gnomAD(v2.1.1)(1 heterozygotes, 0 homozygotes; allele frequency: 4.21e-6) suggesting it is not a common benign variant in the populations represented in that database. In silico algorithms predict this variant to be Tolerated (SIFT; score:0.176) and Benign (REVEL; score:0.2039) to the function of the canonical transcript. This variant is absent from ClinVar and to our current knowledge has not been reported in an individual with CEBALID syndrome in the literature. The p.Ala871 residue is not within a mapped domain of MN1 (UniProtKB:Q10571). Given the lack of compelling evidence for its pathogenicity, the c.2612C>T (p.Ala871Val) variant identified in the MN1 gene is reported as a Variant of Uncertain Significance.

NM_002430.3(MN1):c.2612C>T (p.Ala871Val)

Gene: MN1 (MN1 proto-oncogene, transcriptional regulator; minus strand). Cytogenetic location: 22q12.1.
Variant type: single nucleotide variant.
Coding change: c.2612C>T on transcript NM_002430.3 (MANE Select); coding-DNA position 2612, C replaced by T.
Protein change: p.Ala871Val; replaces alanine 871 with valine.
Molecular consequence: missense variant.
Genome position (GRCh38, 1-based): chr22:27,797,932, G>A on the plus strand (C>T on the coding strand, the complement: MN1 is on the minus strand). VCF-style: chr22-27797932-G-A. GRCh37 (hg19) VCF-style: chr22-28193920-G-A.
Other names: short protein forms A871V.
Identifiers: ClinVar variation 1696656 (VCV001696656.1), dbSNP rs776690759, ClinGen allele CA10166216.